The following is an entry in ClinVar:

ClinVar aggregate classification (germline): Uncertain significance. Review status: criteria provided, multiple submitters, no conflicts (2 of 4 stars). 3 submissions from 3 submitters: Uncertain significance (3). Last evaluated 2026-09-23.

Conditions:
CDH23-related disorder. Also called: CDH23-related disorders; CDH23-related condition.
Autosomal recessive nonsyndromic hearing loss 12. Also called: DEAFNESS, AUTOSOMAL RECESSIVE 12. Identifiers: Orphanet 90636, MedGen C1832394, MONDO:0011067, OMIM 601386.

Allele frequency attached by ClinVar (database versions not stated): gnomAD exomes below 0.00001; ExAC 0.00001.
gnomAD v4.1: 3 of 1,613,632 alleles (0.00019%); highest among the groups gnomAD compares: Non-Finnish European, 0.00017%; no homozygotes.

Submissions (3):

PreventionGenetics, part of Exact Sciences
Classification: Uncertain significance for CDH23-related condition. Last evaluated: 2026-09-23. Review status: criteria provided, single submitter. Criteria: ACMG Guidelines, 2015. Collection method: clinical testing. Allele origin: germline.
Comment: The CDH23 c.371A>G variant is predicted to result in the amino acid substitution p.Asp124Gly. This variant has been reported along with a second variant (p.Arg2465Trp; currently classified as of uncertain significance) in two individuals from a single family with severe to profound progressive hearing loss (Table 4, Astuto et al. 2002. PubMed ID: 12075507). This variant is reported in 0.00088% of alleles in individuals of European (Non-Finnish) descent in gnomAD. Although we suspect that this variant may be benign, at this time, the clinical significance of this variant is uncertain due to the absence of conclusive functional and genetic evidence.

Labcorp Genetics (formerly Invitae), Labcorp
Classification: Uncertain significance. Last evaluated: 2021-08-24. Review status: criteria provided, single submitter. Criteria: Invitae Variant Classification Sherloc (09022015). Collection method: clinical testing. Allele origin: germline.
Comment: This sequence change replaces aspartic acid with glycine at codon 124 of the CDH23 protein (p.Asp124Gly). The aspartic acid residue is highly conserved and there is a moderate physicochemical difference between aspartic acid and glycine. This variant is present in population databases (rs751192273, ExAC 0.001%). This missense change has been observed in individual(s) with non-syndromic deafness (PMID: 12075507). Algorithms developed to predict the effect of missense changes on protein structure and function are either unavailable or do not agree on the potential impact of this missense change (SIFT: "Deleterious"; PolyPhen-2: "Not Available"; Align-GVGD: "Class C0"). In summary, the available evidence is currently insufficient to determine the role of this variant in disease. Therefore, it has been classified as a Variant of Uncertain Significance.

Baylor Genetics
Classification: Uncertain significance for Autosomal recessive nonsyndromic hearing loss 12. Last evaluated: 2020-03-11. Review status: criteria provided, single submitter. Criteria: ACMG Guidelines, 2015. Collection method: clinical testing. Allele origin: unknown. Affected: yes.
Comment: This variant was determined to be of uncertain significance according to ACMG Guidelines, 2015 [PMID:25741868].

Literature cited by the submitters: PubMed 12075507 (cited by Labcorp Genetics (formerly Invitae), Labcorp).

NM_022124.6(CDH23):c.371A>G (p.Asp124Gly)

Genes: CDH23 (cadherin related 23; plus strand), CDH23-AS1 (CDH23 antisense RNA 1; minus strand). Cytogenetic location: 10q22.1.
Variant type: single nucleotide variant.
Coding change: c.371A>G on transcript NM_022124.6 (MANE Select); coding-DNA position 371, A replaced by G.
Protein change: p.Asp124Gly; replaces aspartic acid 124 with glycine.
Molecular consequence: missense variant.
Genome position (GRCh38, 1-based): chr10:71,511,154, A>G. VCF-style: chr10-71511154-A-G. GRCh37 (hg19) VCF-style: chr10-73270911-A-G.
Other names: c.371A>G, p.Asp124Gly (NM_001171930.2, NM_001171931.2, NM_001171932.2 and 1 more transcripts); short protein forms D124G.
Identifiers: ClinVar variation 1029847 (VCV001029847.7), dbSNP rs751192273, ClinGen allele CA5543401.